The following is an entry in ClinVar:

NM_002637.4(PHKA1):c.3076C>T (p.Pro1026Ser)

Gene: PHKA1 (phosphorylase kinase regulatory subunit alpha 1; minus strand). Cytogenetic location: Xq13.1.
Variant type: single nucleotide variant.
Coding change: c.3076C>T on transcript NM_002637.4 (MANE Select); coding-DNA position 3076, C replaced by T.
Protein change: p.Pro1026Ser; replaces proline 1026 with serine.
Molecular consequence: missense variant.
Genome position (GRCh38, 1-based): chrX:72,593,271, G>A on the plus strand (C>T on the coding strand, the complement: PHKA1 is on the minus strand). VCF-style: chrX-72593271-G-A. GRCh37 (hg19) VCF-style: chrX-71813121-G-A.
Other names: c.3037C>T, p.Pro1013Ser (NM_001122670.2); c.2860C>T, p.Pro954Ser (NM_001172436.2); short protein forms P1013S, P1026S, P954S.
Identifiers: ClinVar variation 2917267 (VCV002917267.3), dbSNP rs782038473, ClinGen allele CA10450528.

ClinVar aggregate classification (germline): Uncertain significance (1 of 4 stars; one submission).

Conditions:
Glycogen storage disease IXd (GSD9D). Also called: GSD IXd; Muscle Phosphorylase Kinase Deficiency. Identifiers: Orphanet 715, MedGen C1845151, MONDO:0010362, OMIM 300559.

Allele frequency attached by ClinVar (database versions not stated): gnomAD 0.00001; gnomAD exomes 0.00001; TOPMed 0.00001; ExAC 0.00007.
gnomAD v4.1: 8 of 1,188,517 alleles (0.00067%); highest among the groups gnomAD compares: Admixed American, 0.015%; no homozygotes.

Submission:

Labcorp Genetics (formerly Invitae), Labcorp
Classification: Uncertain significance for Glycogen storage disease IXd. Last evaluated: 2025-03-05. Review status: criteria provided, single submitter. Criteria: Invitae Variant Classification Sherloc (09022015). Collection method: clinical testing. Allele origin: germline.
Comment: This sequence change replaces proline, which is neutral and non-polar, with serine, which is neutral and polar, at codon 1026 of the PHKA1 protein (p.Pro1026Ser). This variant is present in population databases (rs782038473, gnomAD 0.02%). This variant has not been reported in the literature in individuals affected with PHKA1-related conditions. ClinVar contains an entry for this variant (Variation ID: 2917267). An algorithm developed to predict the effect of missense changes on protein structure and function (PolyPhen-2) suggests that this variant is likely to be tolerated. In summary, the available evidence is currently insufficient to determine the role of this variant in disease. Therefore, it has been classified as a Variant of Uncertain Significance.